The following is an entry in ClinVar:

ClinVar aggregate classification (germline): Pathogenic (1 of 4 stars; one submission).

Conditions:
Isovaleryl-CoA dehydrogenase deficiency (IVA). Also called: IVD DEFICIENCY; Classic Isovaleric Acidemia; ISOVALERIC ACID CoA DEHYDROGENASE DEFICIENCY; Isovaleric acidemia. Identifiers: Orphanet 33, MedGen C0268575, MONDO:0009475, OMIM 243500.

Submission:

Labcorp Genetics (formerly Invitae), Labcorp
Classification: Pathogenic for Isovaleryl-CoA dehydrogenase deficiency. Last evaluated: 2022-08-05. Review status: criteria provided, single submitter. Criteria: Invitae Variant Classification Sherloc (09022015). Collection method: clinical testing. Allele origin: germline.
Comment: This variant is a gross deletion of the genomic region encompassing exon(s) 10-12 of the IVD gene, which includes the termination codon. This deletion extends beyond the assayed region for this gene and therefore may encompass additional genes. While this deletion is not anticipated to lead to nonsense mediated decay, it is expected to alter mRNA translation or result in a truncated protein product. This variant has not been reported in the literature in individuals affected with IVD-related conditions. This variant disrupts a region of the IVD protein in which other variant(s) (p.Asp359Asn) have been determined to be pathogenic (Invitae). This suggests that this is a clinically significant region of the protein, and that variants that disrupt it are likely to be disease-causing. For these reasons, this variant has been classified as Pathogenic.

NC_000015.10:g.(?_40416068)_(40418273_?)del

Gene: IVD (isovaleryl-CoA dehydrogenase; plus strand). Cytogenetic location: 15q15.1.
Variant type: Deletion.
Identifiers: ClinVar variation 832321 (VCV000832321.7).